The following is an entry in ClinVar:

NM_014423.4(AFF4):c.814T>G (p.Ser272Ala)

Gene: AFF4 (ALF transcription elongation factor 4; minus strand). Cytogenetic location: 5q31.1.
Variant type: single nucleotide variant.
Coding change: c.814T>G on transcript NM_014423.4 (MANE Select); coding-DNA position 814, T replaced by G.
Protein change: p.Ser272Ala; replaces serine 272 with alanine.
Molecular consequence: missense variant.
Genome position (GRCh38, 1-based): chr5:132,934,251, A>C on the plus strand (T>G on the coding strand, the complement: AFF4 is on the minus strand). VCF-style: chr5-132934251-A-C. GRCh37 (hg19) VCF-style: chr5-132269943-A-C.
Other names: short protein forms S272A.
Identifiers: ClinVar variation 2229534 (VCV002229534.2), dbSNP rs2150098264, ClinGen allele CA360957835.

ClinVar aggregate classification (germline): Uncertain significance (1 of 4 stars; one submission).

Conditions:
Inborn genetic diseases. Identifiers: MedGen C0950123, MeSH D030342.

Allele frequency attached by ClinVar (database versions not stated): gnomAD exomes below 0.00001.
gnomAD v4.1: 1 of 1,614,198 alleles (0.000062%); highest among the groups gnomAD compares: Non-Finnish European, 0.000085%; no homozygotes.

Submission:

Ambry Genetics
Classification: Uncertain significance for Inborn genetic diseases. Last evaluated: 2021-03-22. Review status: criteria provided, single submitter. Criteria: Ambry Variant Classification Scheme 2023. Collection method: clinical testing. Allele origin: germline.
Comment: The c.814T>G (p.S272A) alteration is located in exon 3 (coding exon 2) of the AFF4 gene. This alteration results from a T to G substitution at nucleotide position 814, causing the serine (S) at amino acid position 272 to be replaced by an alanine (A). The p.S272A alteration is predicted to be tolerated by in silico analysis. Based on insufficient or conflicting evidence, the clinical significance of this alteration remains unclear.